The following is an entry in ClinVar:

ClinVar aggregate classification (germline): Uncertain significance (1 of 4 stars; one submission).

Allele frequency attached by ClinVar (database versions not stated): TOPMed 0.00001; ExAC 0.00004.
gnomAD v4.1: 24 of 1,614,040 alleles (0.0015%); highest among the groups gnomAD compares: East Asian, 0.011%; 1 homozygote.

Submission:

Labcorp Genetics (formerly Invitae), Labcorp
Classification: Uncertain significance. Last evaluated: 2022-09-01. Review status: criteria provided, single submitter. Criteria: Invitae Variant Classification Sherloc (09022015). Collection method: clinical testing. Allele origin: germline.
Comment: This sequence change replaces arginine, which is basic and polar, with cysteine, which is neutral and slightly polar, at codon 1089 of the ADAMTS17 protein (p.Arg1089Cys). This variant is present in population databases (rs765090779, gnomAD 0.03%). This variant has not been reported in the literature in individuals affected with ADAMTS17-related conditions. ClinVar contains an entry for this variant (Variation ID: 1425105). Algorithms developed to predict the effect of missense changes on protein structure and function are either unavailable or do not agree on the potential impact of this missense change (SIFT: "Not Available"; PolyPhen-2: "Possibly Damaging"; Align-GVGD: "Not Available"). In summary, the available evidence is currently insufficient to determine the role of this variant in disease. Therefore, it has been classified as a Variant of Uncertain Significance.

NM_139057.4(ADAMTS17):c.3265C>T (p.Arg1089Cys)

Gene: ADAMTS17 (ADAM metallopeptidase with thrombospondin type 1 motif 17; minus strand). Cytogenetic location: 15q26.3.
Variant type: single nucleotide variant.
Coding change: c.3265C>T on transcript NM_139057.4 (MANE Select); coding-DNA position 3265, C replaced by T.
Protein change: p.Arg1089Cys; replaces arginine 1089 with cysteine.
Molecular consequence: missense variant.
Genome position (GRCh38, 1-based): chr15:99,974,425, G>A on the plus strand (C>T on the coding strand, the complement: ADAMTS17 is on the minus strand). VCF-style: chr15-99974425-G-A. GRCh37 (hg19) VCF-style: chr15-100514630-G-A.
Other names: short protein forms R1089C.
Identifiers: ClinVar variation 1425105 (VCV001425105.5), dbSNP rs765090779, ClinGen allele CA7757405.